The following is an entry in ClinVar:

NM_004204.5(PIGQ):c.*533C>T

Gene: PIGQ (phosphatidylinositol glycan anchor biosynthesis class Q; plus strand). Cytogenetic location: 16p13.3.
Variant type: single nucleotide variant.
Coding change: c.*533C>T on transcript NM_004204.5 (MANE Select); 533 bases downstream of the stop codon, C replaced by T.
Molecular consequence: 3 prime UTR variant. On other transcripts: synonymous variant (1).
Genome position (GRCh38, 1-based): chr16:583,568, C>T. VCF-style: chr16-583568-C-T. GRCh37 (hg19) VCF-style: chr16-633568-C-T.
Other names: c.2217C>T, p.Pro739= (NM_148920.4).
Identifiers: ClinVar variation 2645833 (VCV002645833.24), dbSNP rs560628088, ClinGen allele CA7780645.

ClinVar aggregate classification (germline): Likely benign (1 of 4 stars; one submission).

Allele frequency attached by ClinVar (database versions not stated): TOPMed 0.00001; gnomAD 0.00007; ExAC 0.00015.

Submission:

CeGaT Center for Human Genetics Tuebingen
Classification: Likely benign. Last evaluated: 2022-09-01. Review status: criteria provided, single submitter. Criteria: CeGaT Center For Human Genetics Tuebingen Variant Classification Criteria Version 2. Collection method: clinical testing. Allele origin: germline. Affected: yes. Observed: 1 variant allele.
Comment: PIGQ: BP4, BP7